The following is an entry in ClinVar:

NM_000381.4(MID1):c.1553C>G (p.Thr518Arg)

Gene: MID1 (midline 1; minus strand). Cytogenetic location: Xp22.2.
Variant type: single nucleotide variant.
Coding change: c.1553C>G on transcript NM_000381.4 (MANE Select); coding-DNA position 1553, C replaced by G.
Protein change: p.Thr518Arg; replaces threonine 518 with arginine.
Molecular consequence: missense variant.
Genome position (GRCh38, 1-based): chrX:10,454,972, G>C on the plus strand (C>G on the coding strand, the complement: MID1 is on the minus strand). VCF-style: chrX-10454972-G-C. GRCh37 (hg19) VCF-style: chrX-10423012-G-C.
Other names: c.1553C>G, p.Thr518Arg (NM_001098624.2, NM_001193277.1, NM_001347733.2 and 1 more transcripts); c.1439C>G, p.Thr480Arg (NM_033289.2); short protein forms T480R, T518R.
Identifiers: ClinVar variation 2502507 (VCV002502507.1), dbSNP rs2518969031, ClinGen allele CA412050796.

ClinVar aggregate classification (germline): Uncertain significance (1 of 4 stars; one submission).

Submission:

GeneDx
Classification: Uncertain significance. Last evaluated: 2022-11-22. Review status: criteria provided, single submitter. Criteria: GeneDx Variant Classification Process June 2021. Collection method: clinical testing. Allele origin: germline. Affected: yes.
Comment: Not observed at significant frequency in large population cohorts (gnomAD); In silico analysis supports that this missense variant does not alter protein structure/function; Has not been previously published as pathogenic or benign to our knowledge